The following is an entry in ClinVar:

ClinVar aggregate classification (germline): Uncertain significance (1 of 4 stars; one submission).

Conditions:
Cardiovascular phenotype. Identifiers: MedGen CN230736.

Allele frequency attached by ClinVar (database versions not stated): gnomAD 0.00001; ExAC 0.00003.
gnomAD v4.1: 24 of 1,609,130 alleles (0.0015%); highest among the groups gnomAD compares: South Asian, 0.021%; no homozygotes.

Submission:

Ambry Genetics
Classification: Uncertain significance for Cardiovascular phenotype. Last evaluated: 2024-10-30. Review status: criteria provided, single submitter. Criteria: Ambry Variant Classification Scheme 2023. Collection method: clinical testing. Allele origin: germline.
Comment: The p.P517L variant (also known as c.1550C>T), located in coding exon 11 of the TRPM4 gene, results from a C to T substitution at nucleotide position 1550. The proline at codon 517 is replaced by leucine, an amino acid with similar properties. This amino acid position is conserved. In addition, this alteration is predicted to be tolerated by in silico analysis. Since supporting evidence is limited at this time, the clinical significance of this alteration remains unclear.

NM_017636.4(TRPM4):c.1550C>T (p.Pro517Leu)

Gene: TRPM4 (transient receptor potential cation channel subfamily M member 4; plus strand). Cytogenetic location: 19q13.33.
Variant type: single nucleotide variant.
Coding change: c.1550C>T on transcript NM_017636.4 (MANE Select); coding-DNA position 1550, C replaced by T.
Protein change: p.Pro517Leu; replaces proline 517 with leucine.
Molecular consequence: missense variant. On other transcripts: 5 prime UTR variant (1).
Genome position (GRCh38, 1-based): chr19:49,182,864, C>T. VCF-style: chr19-49182864-C-T. GRCh37 (hg19) VCF-style: chr19-49686121-C-T.
Other names: c.1550C>T, p.Pro517Leu (NM_001195227.2); c.1205C>T, p.Pro402Leu (NM_001321281.2); c.-4C>T (NM_001321282.2); c.1028C>T, p.Pro343Leu (NM_001321283.2); c.488C>T, p.Pro163Leu (NM_001321285.2); short protein forms P402L, P517L, P163L, P343L.
Identifiers: ClinVar variation 1775044 (VCV001775044.3), dbSNP rs556495021, ClinGen allele CA9569223.